The following is an entry in ClinVar:

ClinVar aggregate classification (germline): Uncertain significance. Review status: criteria provided, multiple submitters, no conflicts (2 of 4 stars). 2 submissions from 2 submitters: Uncertain significance (2). Last evaluated 2025-10-03.

Conditions:
Colorectal cancer, hereditary nonpolyposis, type 7. Identifiers: Orphanet 144, MedGen C1858380, MONDO:0013725, OMIM 614385.

Allele frequency attached by ClinVar (database versions not stated): gnomAD exomes below 0.00001; TOPMed below 0.00001; gnomAD 0.00001.
gnomAD v4.1: 2 of 1,612,094 alleles (0.00012%); highest among the groups gnomAD compares: Non-Finnish European, 0.00017%; no homozygotes.

Submissions (2):

Ambry Genetics
Classification: Uncertain significance. Last evaluated: 2025-10-03. Review status: criteria provided, single submitter. Criteria: Ambry Variant Classification Scheme 2023. Collection method: clinical testing. Allele origin: germline.
Comment: The p.T1128A variant (also known as c.3382A>G), located in coding exon 3 of the MLH3 gene, results from an A to G substitution at nucleotide position 3382. The threonine at codon 1128 is replaced by alanine, an amino acid with similar properties. This amino acid position is not well conserved in available vertebrate species, and alanine is the reference amino acid in other vertebrate species. In addition, this alteration is predicted to be tolerated by in silico analysis. Since supporting evidence is limited at this time, the clinical significance of this alteration remains unclear.

Labcorp Genetics (formerly Invitae), Labcorp
Classification: Uncertain significance for Colorectal cancer, hereditary nonpolyposis, type 7. Last evaluated: 2021-06-24. Review status: criteria provided, single submitter. Criteria: Invitae Variant Classification Sherloc (09022015). Collection method: clinical testing. Allele origin: germline.
Comment: This sequence change replaces threonine with alanine at codon 1128 of the MLH3 protein (p.Thr1128Ala). The threonine residue is weakly conserved and there is a small physicochemical difference between threonine and alanine. In summary, the available evidence is currently insufficient to determine the role of this variant in disease. Therefore, it has been classified as a Variant of Uncertain Significance. Algorithms developed to predict the effect of missense changes on protein structure and function output the following: SIFT: "Tolerated"; PolyPhen-2: "Benign"; Align-GVGD: "Class C0". The alanine amino acid residue is found in multiple mammalian species, suggesting that this missense change does not adversely affect protein function. These predictions have not been confirmed by published functional studies and their clinical significance is uncertain. This variant has not been reported in the literature in individuals with MLH3-related conditions. This variant is not present in population databases (ExAC no frequency).

NM_001040108.2(MLH3):c.3382A>G (p.Thr1128Ala)

Gene: MLH3 (mutL homolog 3; minus strand). Cytogenetic location: 14q24.3.
Variant type: single nucleotide variant.
Coding change: c.3382A>G on transcript NM_001040108.2 (MANE Select); coding-DNA position 3382, A replaced by G.
Protein change: p.Thr1128Ala; replaces threonine 1128 with alanine.
Molecular consequence: missense variant.
Genome position (GRCh38, 1-based): chr14:75,041,698, T>C on the plus strand (A>G on the coding strand, the complement: MLH3 is on the minus strand). VCF-style: chr14-75041698-T-C. GRCh37 (hg19) VCF-style: chr14-75508401-T-C.
Other names: c.3382A>G, p.Thr1128Ala (NM_014381.3); short protein forms T1128A.
Identifiers: ClinVar variation 1466894 (VCV001466894.11), dbSNP rs898634762, ClinGen allele CA263645896.